The following is an entry in ClinVar:

ClinVar aggregate classification (germline): Uncertain significance. Review status: criteria provided, multiple submitters, no conflicts (2 of 4 stars). 6 submissions from 6 submitters: Uncertain significance (6). Last evaluated 2025-08-09.

Conditions:
Aortic aneurysm, familial thoracic 4 (AAT4). Also called: AORTIC ANEURYSM/AORTIC DISSECTION AND PATENT DUCTUS ARTERIOSUS. Identifiers: MedGen C1851504, MONDO:0007568, OMIM 132900.
Megacystis-microcolon-intestinal hypoperistalsis syndrome 2. Identifiers: MedGen C5543476, MONDO:0025708, OMIM 619351.
Visceral myopathy 2. Identifiers: MedGen C5543466, MONDO:0859157, OMIM 619350.
Familial thoracic aortic aneurysm and aortic dissection (TAAD). Also called: Thoracic aortic aneurysms and dissections. Identifiers: Orphanet 91387, MedGen C4707243, MONDO:0019625.

Allele frequency attached by ClinVar (database versions not stated): gnomAD exomes below 0.00001; TOPMed 0.00002.
gnomAD v4.1: 31 of 1,612,246 alleles (0.0019%); highest among the groups gnomAD compares: Non-Finnish European, 0.0024%; no homozygotes.

Submissions (6):

Ambry Genetics
Classification: Uncertain significance for Familial thoracic aortic aneurysm and aortic dissection. Last evaluated: 2025-08-09. Review status: criteria provided, single submitter. Criteria: Ambry Variant Classification Scheme 2023. Collection method: clinical testing. Allele origin: germline.
Comment: The p.R1273Q variant (also known as c.3818G>A), located in coding exon 27 of the MYH11 gene, results from a G to A substitution at nucleotide position 3818. The arginine at codon 1273 is replaced by glutamine, an amino acid with highly similar properties. This amino acid position is conserved. In addition, this alteration is predicted to be tolerated by in silico analysis. Since supporting evidence is limited at this time, the clinical significance of this alteration remains unclear.

Labcorp Genetics (formerly Invitae), Labcorp
Classification: Uncertain significance for Aortic aneurysm, familial thoracic 4. Last evaluated: 2025-07-03. Review status: criteria provided, single submitter. Criteria: Invitae Variant Classification Sherloc (09022015). Collection method: clinical testing. Allele origin: germline.
Comment: This sequence change replaces arginine, which is basic and polar, with glutamine, which is neutral and polar, at codon 1280 of the MYH11 protein (p.Arg1280Gln). The frequency data for this variant in the population databases is considered unreliable, as metrics indicate poor data quality at this position in the gnomAD database. This variant has not been reported in the literature in individuals affected with MYH11-related conditions. ClinVar contains an entry for this variant (Variation ID: 919455). Invitae Evidence Modeling of protein sequence and biophysical properties (such as structural, functional, and spatial information, amino acid conservation, physicochemical variation, residue mobility, and thermodynamic stability) indicates that this missense variant is not expected to disrupt MYH11 protein function with a negative predictive value of 95%. In summary, the available evidence is currently insufficient to determine the role of this variant in disease. Therefore, it has been classified as a Variant of Uncertain Significance.

All of Us Research Program, National Institutes of Health
Classification: Uncertain significance for Familial thoracic aortic aneurysm and aortic dissection. Last evaluated: 2024-09-23. Review status: criteria provided, single submitter. Criteria: ACMG Guidelines, 2015. Collection method: clinical testing. Allele origin: germline. Inheritance: Autosomal dominant inheritance. Observed: 4 variant alleles, 4 heterozygotes.
Comment: This missense variant replaces arginine with glutamine at codon 1280 of the MYH11 protein. Computational prediction tool is inconclusive regarding the impact of this variant on protein structure and function (internally defined REVEL score threshold 0.5 < inconclusive < 0.7, PMID: 27666373). Splice site prediction tools suggest that this variant may not impact RNA splicing. To our knowledge, functional studies have not been performed for this variant. This variant has not been reported in individuals affected with cardiovascular disorders in the literature. This variant has been identified in 2/281466 chromosomes in the general population by the Genome Aggregation Database (gnomAD). The available evidence is insufficient to determine the role of this variant in disease conclusively. Therefore, this variant is classified as a Variant of Uncertain Significance.

This study involves interpretation of variants in research participants for the purpose of population health screening. Participant phenotype was not available at the time of variant classification. Additional details can be found in publication PMID: 35346344, PMCID: PMC8962531

GeneDx
Classification: Uncertain significance. Last evaluated: 2024-09-13. Review status: criteria provided, single submitter. Criteria: GeneDx Variant Classification Process June 2021. Collection method: clinical testing. Allele origin: germline.
Comment: Not observed at significant frequency in large population cohorts (gnomAD); In silico analysis supports that this missense variant has a deleterious effect on protein structure/function; Has not been previously published as pathogenic or benign to our knowledge

Color Diagnostics, LLC DBA Color Health
Classification: Uncertain significance for Familial thoracic aortic aneurysm and aortic dissection. Last evaluated: 2024-03-06. Review status: criteria provided, single submitter. Criteria: ACMG Guidelines, 2015. Collection method: clinical testing. Allele origin: germline.
Comment: This missense variant replaces arginine with glutamine at codon 1280 of the MYH11 protein. Computational prediction is inconclusive regarding the impact of this variant on protein structure and function (internally defined REVEL score threshold 0.5 < inconclusive < 0.7, PMID: 27666373). To our knowledge, functional studies have not been reported for this variant. This variant has not been reported in individuals affected with MYH11-related disorders in the literature. This variant has been identified in 2/281466 chromosomes in the general population by the Genome Aggregation Database (gnomAD). The available evidence is insufficient to determine the role of this variant in disease conclusively. Therefore, this variant is classified as a Variant of Uncertain Significance.

Fulgent Genetics
Classification: Uncertain significance for Aortic aneurysm, familial thoracic 4; Visceral myopathy 2; Megacystis-microcolon-intestinal hypoperistalsis syndrome 2. Last evaluated: 2021-09-01. Review status: criteria provided, single submitter. Criteria: ACMG Guidelines, 2015. Collection method: clinical testing. Allele origin: unknown.

NM_002474.3(MYH11):c.3818G>A (p.Arg1273Gln)

Gene: MYH11 (myosin heavy chain 11; minus strand). Cytogenetic location: 16p13.11.
Variant type: single nucleotide variant.
Coding change: c.3818G>A on transcript NM_002474.3 (MANE Select); coding-DNA position 3818, G replaced by A.
Protein change: p.Arg1273Gln; replaces arginine 1273 with glutamine.
Molecular consequence: missense variant.
Genome position (GRCh38, 1-based): chr16:15,726,888, C>T on the plus strand (G>A on the coding strand, the complement: MYH11 is on the minus strand). VCF-style: chr16-15726888-C-T. GRCh37 (hg19) VCF-style: chr16-15820745-C-T.
Other names: c.3839G>A, p.Arg1280Gln (NM_001040113.2, NM_001040114.2); c.3818G>A, p.Arg1273Gln (NM_022844.3); short protein forms R1280Q, R1273Q.
Identifiers: ClinVar variation 919455 (VCV000919455.15), dbSNP rs1473608237, ClinGen allele CA394860002.